The following is an entry in ClinVar:

NM_018003.4(UACA):c.4008T>C (p.Asn1336=)

Gene: UACA (uveal autoantigen with coiled-coil domains and ankyrin repeats; minus strand). Cytogenetic location: 15q23.
Variant type: single nucleotide variant.
Coding change: c.4008T>C on transcript NM_018003.4 (MANE Select); coding-DNA position 4008, T replaced by C.
Protein change: p.Asn1336=; no amino-acid change (asparagine 1336 retained).
Molecular consequence: synonymous variant.
Genome position (GRCh38, 1-based): chr15:70,664,767, A>G on the plus strand (T>C on the coding strand, the complement: UACA is on the minus strand). VCF-style: chr15-70664767-A-G. GRCh37 (hg19) VCF-style: chr15-70957106-A-G.
Other names: c.3969T>C, p.Asn1323= (NM_001008224.3).
Identifiers: ClinVar variation 3057193 (VCV003057193.2), dbSNP rs78551559, ClinGen allele CA7636713.

ClinVar aggregate classification (germline): Benign (0 of 4 stars; one submission).

Conditions:
UACA-related disorder. Also called: UACA-related condition.

Allele frequency attached by ClinVar (database versions not stated): gnomAD exomes 0.00164; ExAC 0.00553; ESP Exome Variant Server 0.01570; gnomAD 0.01647; 1000 Genomes Project 0.01657; 1000 Genomes Project 30x 0.01733; TOPMed 0.01794.
gnomAD v4.1: 4,980 of 1,613,628 alleles (0.31%); highest among the groups gnomAD compares: African/African-American, 5.8%; 129 homozygotes.

Submission:

PreventionGenetics, part of Exact Sciences
Classification: Benign for UACA-related condition. Last evaluated: 2019-04-30. Review status: no assertion criteria provided. Collection method: clinical testing. Allele origin: germline.
Comment: This variant is classified as benign based on ACMG/AMP sequence variant interpretation guidelines (Richards et al. 2015 PMID: 25741868, with internal and published modifications).